The following is an entry in ClinVar:

NM_003070.5(SMARCA2):c.1199T>C (p.Met400Thr)

Gene: SMARCA2 (SWI/SNF related BAF chromatin remodeling complex subunit ATPase 2; plus strand). Cytogenetic location: 9p24.3.
Variant type: single nucleotide variant.
Coding change: c.1199T>C on transcript NM_003070.5 (MANE Select); coding-DNA position 1199, T replaced by C.
Protein change: p.Met400Thr; replaces methionine 400 with threonine.
Molecular consequence: missense variant.
Genome position (GRCh38, 1-based): chr9:2,056,697, T>C. VCF-style: chr9-2056697-T-C. GRCh37 (hg19) VCF-style: chr9-2056697-T-C.
Other names: c.1199T>C, p.Met400Thr (NM_001289396.2, NM_001289397.2, NM_139045.4); short protein forms M400T.
Identifiers: ClinVar variation 4736944 (VCV004736944.1).

ClinVar aggregate classification (germline): Uncertain significance (1 of 4 stars; one submission).

gnomAD v4.1: 1 of 1,613,994 alleles (0.000062%); highest among the groups gnomAD compares: Non-Finnish European, 0.000085%; no homozygotes.

Submission:

Labcorp Genetics (formerly Invitae), Labcorp
Classification: Uncertain significance. Last evaluated: 2026-01-11. Review status: criteria provided, single submitter. Criteria: Invitae Variant Classification Sherloc (09022015). Collection method: clinical testing. Allele origin: germline.
Comment: This sequence change replaces methionine, which is neutral and non-polar, with threonine, which is neutral and polar, at codon 400 of the SMARCA2 protein (p.Met400Thr). This variant is not present in population databases (gnomAD no frequency). This variant has not been reported in the literature in individuals affected with SMARCA2-related conditions. Invitae Evidence Modeling of protein sequence and biophysical properties (such as structural, functional, and spatial information, amino acid conservation, physicochemical variation, residue mobility, and thermodynamic stability) indicates that this missense variant is not expected to disrupt SMARCA2 protein function with a negative predictive value of 80%. In summary, the available evidence is currently insufficient to determine the role of this variant in disease. Therefore, it has been classified as a Variant of Uncertain Significance.